The following is an entry in ClinVar:

NM_022765.4(MICAL1):c.1286C>T (p.Ser429Phe)

Gene: MICAL1 (microtubule associated monooxygenase, calponin and LIM domain containing 1; minus strand). Cytogenetic location: 6q21.
Variant type: single nucleotide variant.
Coding change: c.1286C>T on transcript NM_022765.4 (MANE Select); coding-DNA position 1286, C replaced by T.
Protein change: p.Ser429Phe; replaces serine 429 with phenylalanine.
Molecular consequence: missense variant.
Genome position (GRCh38, 1-based): chr6:109,449,991, G>A on the plus strand (C>T on the coding strand, the complement: MICAL1 is on the minus strand). VCF-style: chr6-109449991-G-A. GRCh37 (hg19) VCF-style: chr6-109771194-G-A.
Other names: c.1343C>T (NM_001286613.1); c.1028C>T, p.Ser343Phe (NM_001159291.2); c.1343C>T, p.Ser448Phe (NM_001286613.2); short protein forms S448F, S343F, S429F.
Identifiers: ClinVar variation 1482991 (VCV001482991.7), dbSNP rs776402952, ClinGen allele CA3953454.

ClinVar aggregate classification (germline): Uncertain significance (1 of 4 stars; one submission).

Conditions:
Epilepsy, familial temporal lobe, 1. Identifiers: Orphanet 101046, MedGen CN030884, MONDO:0700090, OMIM 600512.

Allele frequency attached by ClinVar (database versions not stated): gnomAD exomes 0.00001 and 0.00002; ExAC 0.00003; gnomAD 0.00004 and 0.00005; TOPMed 0.00005.
gnomAD v4.1: 24 of 1,613,808 alleles (0.0015%); highest among the groups gnomAD compares: Admixed American, 0.018%; no homozygotes.

Submission:

Labcorp Genetics (formerly Invitae), Labcorp
Classification: Uncertain significance. Last evaluated: 2026-02-03. Review status: criteria provided, single submitter. Criteria: Invitae Variant Classification Sherloc (09022015). Collection method: clinical testing. Allele origin: germline.
Comment: This sequence change replaces serine, which is neutral and polar, with phenylalanine, which is neutral and non-polar, at codon 448 of the MICAL1 protein (p.Ser448Phe). This variant is present in population databases (rs776402952, gnomAD 0.01%). This variant has not been reported in the literature in individuals affected with MICAL1-related conditions. ClinVar contains an entry for this variant (Variation ID: 1482991). An algorithm developed to predict the effect of missense changes on protein structure and function (PolyPhen-2) suggests that this variant is likely to be tolerated. In summary, the available evidence is currently insufficient to determine the role of this variant in disease. Therefore, it has been classified as a Variant of Uncertain Significance.